The following is an entry in ClinVar:

NM_001184.4(ATR):c.78_82del (p.Asn27fs)

Gene: ATR (ATR checkpoint kinase; minus strand). Cytogenetic location: 3q23.
Variant type: Deletion.
Coding change: c.78_82del on transcript NM_001184.4 (MANE Select); coding-DNA positions 78 to 82, 5 bases deleted (TAATA; older notation c.78_82delTAATA).
Protein change: p.Asn27fs; shifts the reading frame from asparagine 27.
Molecular consequence: frameshift variant.
Genome position (GRCh38, 1-based): chr3:142,568,132-142,568,136, TATTA deleted on the plus strand (TAATA on the coding strand, the reverse complement: ATR is on the minus strand); deleting any 5 consecutive bases within chr3:142,568,132-142,568,140 gives the same sequence; the c. name uses the placement nearest the transcript's 3' end. VCF-style (leftmost placement, unchanged base first): chr3-142568131-GTATTA-G. GRCh37 (hg19) VCF-style: chr3-142286973-GTATTA-G.
Other names: c.78_82del, p.Asn27fs (NM_001354579.2); short protein forms N27fs.
Identifiers: ClinVar variation 2762920 (VCV002762920.3), dbSNP rs2473446366, ClinGen allele CA2697556904.

ClinVar aggregate classification (germline): Pathogenic (1 of 4 stars; one submission).

Submission:

Labcorp Genetics (formerly Invitae), Labcorp
Classification: Pathogenic. Last evaluated: 2023-09-23. Review status: criteria provided, single submitter. Criteria: Invitae Variant Classification Sherloc (09022015). Collection method: clinical testing. Allele origin: germline.
Comment: This variant is not present in population databases (gnomAD no frequency). For these reasons, this variant has been classified as Pathogenic. This variant has not been reported in the literature in individuals affected with ATR-related conditions. This sequence change creates a premature translational stop signal (p.Asn27Serfs*14) in the ATR gene. It is expected to result in an absent or disrupted protein product. Loss-of-function variants in ATR are known to be pathogenic (PMID: 21228398, 23144622).

Literature cited by the submitters: PubMed 21228398; PubMed 23144622.